The following is an entry in ClinVar:

ClinVar aggregate classification (germline): Conflicting classifications of pathogenicity. Review status: criteria provided, conflicting classifications (1 of 4 stars). 4 submissions from 4 submitters: Likely pathogenic (1); Uncertain significance (3). Last evaluated 2025-11-02.

Conditions:
Inborn genetic diseases. Identifiers: MedGen C0950123, MeSH D030342.
Bardet-Biedl syndrome (BBS). Identifiers: Orphanet 110, MedGen C0752166, MONDO:0015229.
BBS10-related disorder. Also called: BBS10-related condition.

Submissions (4):

PreventionGenetics, part of Exact Sciences
Classification: Likely pathogenic for BBS10-related condition. Last evaluated: 2025-11-02. Review status: criteria provided, single submitter. Criteria: ACMG Guidelines, 2015. Collection method: clinical testing. Allele origin: germline.
Comment: The BBS10 c.685C>A variant is predicted to result in the amino acid substitution p.Pro229Thr. To our knowledge, this variant has not been reported in the literature or in a large population database (gnomAD), indicating this variant is rare. Two other changes affecting this residue, p.Pro229Arg (homozygous) and p.Pro229Leu (compound heterozygous with a pathogenic variant), have been reported in individuals with Bardet-Biedl syndrome (Table S1, Zhong et al. 2023. PubMed ID: 37031301; Table S1 and S2, Nasser et al. 2022. PubMed ID: 35886001). This variant is interpreted as likely pathogenic.

Women's Health and Genetics/Laboratory Corporation of America, LabCorp
Classification: Uncertain significance. Last evaluated: 2024-05-13. Review status: criteria provided, single submitter. Criteria: LabCorp Variant Classification Summary - May 2015. Collection method: clinical testing. Allele origin: germline.

Labcorp Genetics (formerly Invitae), Labcorp
Classification: Uncertain significance for Bardet-Biedl syndrome. Last evaluated: 2023-06-30. Review status: criteria provided, single submitter. Criteria: Invitae Variant Classification Sherloc (09022015). Collection method: clinical testing. Allele origin: germline.
Comment: This sequence change replaces proline, which is neutral and non-polar, with threonine, which is neutral and polar, at codon 229 of the BBS10 protein (p.Pro229Thr). This variant is not present in population databases (gnomAD no frequency). This variant has not been reported in the literature in individuals affected with BBS10-related conditions. Advanced modeling of protein sequence and biophysical properties (such as structural, functional, and spatial information, amino acid conservation, physicochemical variation, residue mobility, and thermodynamic stability) performed at Invitae indicates that this missense variant is expected to disrupt BBS10 protein function. In summary, the available evidence is currently insufficient to determine the role of this variant in disease. Therefore, it has been classified as a Variant of Uncertain Significance.

Ambry Genetics
Classification: Uncertain significance for Inborn genetic diseases. Last evaluated: 2023-04-25. Review status: criteria provided, single submitter. Criteria: Ambry Variant Classification Scheme 2023. Collection method: clinical testing. Allele origin: germline.

NM_024685.4(BBS10):c.685C>A (p.Pro229Thr)

Gene: BBS10 (Bardet-Biedl syndrome 10; minus strand). Cytogenetic location: 12q21.2.
Variant type: single nucleotide variant.
Coding change: c.685C>A on transcript NM_024685.4 (MANE Select); coding-DNA position 685, C replaced by A.
Protein change: p.Pro229Thr; replaces proline 229 with threonine.
Molecular consequence: missense variant.
Genome position (GRCh38, 1-based): chr12:76,347,300, G>T on the plus strand (C>A on the coding strand, the complement: BBS10 is on the minus strand). VCF-style: chr12-76347300-G-T. GRCh37 (hg19) VCF-style: chr12-76741080-G-T.
Other names: short protein forms P229T.
Identifiers: ClinVar variation 2540108 (VCV002540108.7), dbSNP rs2540956561, ClinGen allele CA385814635.